The following is an entry in ClinVar:

ClinVar aggregate classification (germline): Uncertain significance. Review status: criteria provided, multiple submitters, no conflicts (2 of 4 stars). 2 submissions from 2 submitters: Uncertain significance (2). Last evaluated 2025-06-27.

Allele frequency attached by ClinVar (database versions not stated): gnomAD exomes 0.00001.
gnomAD v4.1: 5 of 1,613,072 alleles (0.00031%); highest among the groups gnomAD compares: Admixed American, 0.0084%; no homozygotes.

Submissions (2):

Labcorp Genetics (formerly Invitae), Labcorp
Classification: Uncertain significance. Last evaluated: 2025-06-27. Review status: criteria provided, single submitter. Criteria: Invitae Variant Classification Sherloc (09022015). Collection method: clinical testing. Allele origin: germline.
Comment: This sequence change replaces aspartic acid, which is acidic and polar, with glycine, which is neutral and non-polar, at codon 1354 of the VCAN protein (p.Asp1354Gly). This variant is present in population databases (no rsID available, gnomAD 0.009%). This variant has not been reported in the literature in individuals affected with VCAN-related conditions. ClinVar contains an entry for this variant (Variation ID: 1905543). An algorithm developed to predict the effect of missense changes on protein structure and function (PolyPhen-2) suggests that this variant is likely to be disruptive. In summary, the available evidence is currently insufficient to determine the role of this variant in disease. Therefore, it has been classified as a Variant of Uncertain Significance.

Blueprint Genetics
Classification: Uncertain significance. Last evaluated: 2019-02-14. Review status: criteria provided, single submitter. Criteria: ACMG Guidelines, 2015. Collection method: clinical testing. Allele origin: germline.

NM_004385.5(VCAN):c.4061A>G (p.Asp1354Gly)

Genes: VCAN (versican; plus strand), VCAN-AS1 (VCAN antisense RNA 1; minus strand). Cytogenetic location: 5q14.3.
Variant type: single nucleotide variant.
Coding change: c.4061A>G on transcript NM_004385.5 (MANE Select); coding-DNA position 4061, A replaced by G.
Protein change: p.Asp1354Gly; replaces aspartic acid 1354 with glycine.
Molecular consequence: missense variant. On other transcripts: intron variant (2).
Genome position (GRCh38, 1-based): chr5:83,537,064, A>G. VCF-style: chr5-83537064-A-G. GRCh37 (hg19) VCF-style: chr5-82832883-A-G.
Other names: c.1100A>G, p.Asp367Gly (NM_001164097.2); c.4004-8473A>G (NM_001164098.2); c.1043-8473A>G (NM_001126336.3); short protein forms D367G, D1354G.
Identifiers: ClinVar variation 1905543 (VCV001905543.6), dbSNP rs1464512889, ClinGen allele CA360307414.